The following is an entry in ClinVar:

ClinVar aggregate classification (germline): Uncertain significance. Review status: criteria provided, multiple submitters, no conflicts (2 of 4 stars). 3 submissions from 3 submitters: Uncertain significance (3). Last evaluated 2026-01-01.

Conditions:
Inborn genetic diseases. Identifiers: MedGen C0950123, MeSH D030342.
Familial cold autoinflammatory syndrome 2 (FCAS2). Identifiers: Orphanet 247868, MedGen C2673198, MONDO:0012724, OMIM 611762.

Allele frequency attached by ClinVar (database versions not stated): gnomAD 0.00001; TOPMed 0.00001.
gnomAD v4.1: 1 of 1,614,028 alleles (0.000062%); highest among the groups gnomAD compares: Admixed American, 0.0017%; no homozygotes.

Submissions (3):

Labcorp Genetics (formerly Invitae), Labcorp
Classification: Uncertain significance for Familial cold autoinflammatory syndrome 2. Last evaluated: 2026-01-01. Review status: criteria provided, single submitter. Criteria: Invitae Variant Classification Sherloc (09022015). Collection method: clinical testing. Allele origin: germline.
Comment: This sequence change replaces arginine, which is basic and polar, with methionine, which is neutral and non-polar, at codon 543 of the NLRP12 protein (p.Arg543Met). This variant is not present in population databases (gnomAD no frequency). This variant has not been reported in the literature in individuals affected with NLRP12-related conditions. ClinVar contains an entry for this variant (Variation ID: 1013399). Invitae Evidence Modeling of protein sequence and biophysical properties (such as structural, functional, and spatial information, amino acid conservation, physicochemical variation, residue mobility, and thermodynamic stability) indicates that this missense variant is not expected to disrupt NLRP12 protein function with a negative predictive value of 80%. In summary, the available evidence is currently insufficient to determine the role of this variant in disease. Therefore, it has been classified as a Variant of Uncertain Significance.

Ambry Genetics
Classification: Uncertain significance for Inborn genetic diseases. Last evaluated: 2024-09-10. Review status: criteria provided, single submitter. Criteria: Ambry Variant Classification Scheme 2023. Collection method: clinical testing. Allele origin: germline.

CeGaT Center for Human Genetics Tuebingen
Classification: Uncertain significance. Last evaluated: 2020-07-01. Review status: criteria provided, single submitter. Criteria: CeGaT Center For Human Genetics Tuebingen Variant Classification Criteria Version 2. Collection method: clinical testing. Allele origin: germline. Affected: yes. Observed: 1 variant allele.

NM_144687.4(NLRP12):c.1628G>T (p.Arg543Met)

Gene: NLRP12 (NLR family pyrin domain containing 12; minus strand). Cytogenetic location: 19q13.42.
Variant type: single nucleotide variant.
Coding change: c.1628G>T on transcript NM_144687.4 (MANE Select); coding-DNA position 1628, G replaced by T.
Protein change: p.Arg543Met; replaces arginine 543 with methionine.
Molecular consequence: missense variant.
Genome position (GRCh38, 1-based): chr19:53,810,031, C>A on the plus strand (G>T on the coding strand, the complement: NLRP12 is on the minus strand). VCF-style: chr19-53810031-C-A. GRCh37 (hg19) VCF-style: chr19-54313285-C-A.
Other names: c.1628G>T (NM_144687.2); c.1628G>T, p.Arg543Met (NM_001277126.2, NM_001277129.1); short protein forms R543M.
Identifiers: ClinVar variation 1013399 (VCV001013399.45), dbSNP rs1031564464, ClinGen allele CA310068807.
Genomic context (GRCh38, chr19:53,810,031, plus strand): 5'-AGGAAGCGGCTGGTGAGTGCCAGGAAGCTCCTTTCAGAAAACGCGTACTCGGTCAACAGC[C>A]TGGTCACGTCCTGGTCTGGGCCTGCCCCGCCCTCCCCCTCGTCCAGGATATAGTACATAG-3'
Protein context (NP_653288.1, residues 533-553): GGAGPDQDVT[Arg543Met]LLTEYAFSER